The following is an entry in ClinVar:

NM_014391.3(ANKRD1):c.164T>C (p.Leu55Pro)

Gene: ANKRD1 (ankyrin repeat domain 1; minus strand). Cytogenetic location: 10q23.31.
Variant type: single nucleotide variant.
Coding change: c.164T>C on transcript NM_014391.3 (MANE Select); coding-DNA position 164, T replaced by C.
Protein change: p.Leu55Pro; replaces leucine 55 with proline.
Molecular consequence: missense variant.
Genome position (GRCh38, 1-based): chr10:90,920,212, A>G on the plus strand (T>C on the coding strand, the complement: ANKRD1 is on the minus strand). VCF-style: chr10-90920212-A-G. GRCh37 (hg19) VCF-style: chr10-92679969-A-G.
Other names: short protein forms L55P.
Identifiers: ClinVar variation 2998212 (VCV002998212.3), dbSNP rs1015674118, ClinGen allele CA211425683.
Genomic context (GRCh38, chr10:90,920,212, plus strand): 5'-CCACAGATGGCTCTCACCTCTGCCTCTCGTTGTTTCTCGCTTTTCCACTGTTGCTCCCCC[A>G]GGGTCACAGGGTGGGCTAGAAGTGTCTTCAGATCCTCCTGCTTCTCTAAAGTAACAGCAG-3'
Protein context (NP_055206.2, residues 45-65): LKTLLAHPVT[Leu55Pro]GEQQWKSEKQ

ClinVar aggregate classification (germline): Uncertain significance (1 of 4 stars; one submission).

Conditions:
ANKRD1-related dilated cardiomyopathy. Identifiers: MedGen CN119551.

Allele frequency attached by ClinVar (database versions not stated): TOPMed 0.00001.

Submission:

Labcorp Genetics (formerly Invitae), Labcorp
Classification: Uncertain significance for ANKRD1-related dilated cardiomyopathy. Last evaluated: 2024-10-29. Review status: criteria provided, single submitter. Criteria: Invitae Variant Classification Sherloc (09022015). Collection method: clinical testing. Allele origin: germline.
Comment: This sequence change replaces leucine, which is neutral and non-polar, with proline, which is neutral and non-polar, at codon 55 of the ANKRD1 protein (p.Leu55Pro). This variant is present in population databases (no rsID available, gnomAD 0.003%). This variant has not been reported in the literature in individuals affected with ANKRD1-related conditions. ClinVar contains an entry for this variant (Variation ID: 2998212). An algorithm developed to predict the effect of missense changes on protein structure and function outputs the following: PolyPhen-2: "Benign". The proline amino acid residue is found in multiple mammalian species, which suggests that this missense change does not adversely affect protein function. In summary, the available evidence is currently insufficient to determine the role of this variant in disease. Therefore, it has been classified as a Variant of Uncertain Significance.